The following is an entry in ClinVar:

NM_016111.4(TELO2):c.958G>A (p.Gly320Ser)

Gene: TELO2 (telomere maintenance 2; plus strand). Cytogenetic location: 16p13.3.
Variant type: single nucleotide variant.
Coding change: c.958G>A on transcript NM_016111.4 (MANE Select); coding-DNA position 958, G replaced by A.
Protein change: p.Gly320Ser; replaces glycine 320 with serine.
Molecular consequence: missense variant.
Genome position (GRCh38, 1-based): chr16:1,500,120, G>A. VCF-style: chr16-1500120-G-A. GRCh37 (hg19) VCF-style: chr16-1550121-G-A.
Other names: c.958G>A, p.Gly320Ser (NM_001351846.2); short protein forms G320S.
Identifiers: ClinVar variation 1990945 (VCV001990945.4), dbSNP rs1596257389, ClinGen allele CA394211120.

ClinVar aggregate classification (germline): Uncertain significance (1 of 4 stars; one submission).

Allele frequency attached by ClinVar (database versions not stated): gnomAD 0.00001; gnomAD exomes 0.00001.
gnomAD v4.1: 11 of 1,608,710 alleles (0.00068%); highest among the groups gnomAD compares: Admixed American, 0.0017%; no homozygotes.

Submission:

Labcorp Genetics (formerly Invitae), Labcorp
Classification: Uncertain significance. Last evaluated: 2023-12-07. Review status: criteria provided, single submitter. Criteria: Invitae Variant Classification Sherloc (09022015). Collection method: clinical testing. Allele origin: germline.
Comment: This sequence change replaces glycine, which is neutral and non-polar, with serine, which is neutral and polar, at codon 320 of the TELO2 protein (p.Gly320Ser). This variant is not present in population databases (gnomAD no frequency). This variant has not been reported in the literature in individuals affected with TELO2-related conditions. ClinVar contains an entry for this variant (Variation ID: 1990945). Advanced modeling of protein sequence and biophysical properties (such as structural, functional, and spatial information, amino acid conservation, physicochemical variation, residue mobility, and thermodynamic stability) performed at Invitae indicates that this missense variant is not expected to disrupt TELO2 protein function with a negative predictive value of 80%. In summary, the available evidence is currently insufficient to determine the role of this variant in disease. Therefore, it has been classified as a Variant of Uncertain Significance.